The following is an entry in ClinVar:

NM_007294.4(BRCA1):c.2943del (p.Pro982fs)

Gene: BRCA1 (BRCA1 DNA repair associated; minus strand). Cytogenetic location: 17q21.31.
Variant type: Deletion.
Coding change: c.2943del on transcript NM_007294.4 (MANE Select); coding-DNA position 2943, one base deleted (A; older notation c.2943delA).
Protein change: p.Pro982fs; shifts the reading frame from proline 982.
Molecular consequence: frameshift variant. On other transcripts: intron variant (137).
Genome position (GRCh38, 1-based): chr17:43,092,588, T deleted on the plus strand (A on the coding strand, the reverse complement: BRCA1 is on the minus strand). VCF-style (leftmost placement, unchanged base first): chr17-43092587-GT-G. GRCh37 (hg19) VCF-style: chr17-41244604-GT-G.
Other names: c.785-1556del (NM_001407985.1, NM_001408397.1, NM_001408401.1 and 13 more transcripts); c.2799del, p.Pro934fs (NM_001407845.1, NM_001407846.1, NM_001407847.1 and 20 more transcripts); c.548-1556del (NM_001408494.1); c.665-1556del (NM_001408444.1, NM_001408438.1, NM_001408430.1 and 12 more transcripts); c.2943del, p.Pro982fs (NM_001407854.1, NM_001407858.1, NM_007300.4 and 30 more transcripts); c.2802del, p.Pro935fs (NM_001407850.1, NM_001407851.1, NM_001407852.1 and 29 more transcripts); c.788-1556del (NM_001408404.1, NM_001408472.1, NM_001407990.1 and 17 more transcripts); c.671-1556del (NM_001408423.1, NM_001408420.1, NM_001408419.1 and 2 more transcripts); and 41 more; short protein forms P870fs, P915fs, P934fs, P935fs, P955fs, P981fs, P686fs, P854fs.
Identifiers: ClinVar variation 3481855 (VCV003481855.3).

ClinVar aggregate classification (germline): Pathogenic. Review status: criteria provided, multiple submitters, no conflicts (2 of 4 stars). 2 submissions from 2 submitters: Pathogenic (2). Last evaluated 2024-09-18.

Conditions:
Hereditary cancer-predisposing syndrome. Also called: Tumor predisposition; Neoplastic Syndromes, Hereditary; Hereditary Cancer Syndrome; Hereditary neoplastic syndrome. Identifiers: Orphanet 140162, MedGen C0027672, MeSH D009386, MONDO:0015356.
Hereditary breast ovarian cancer syndrome. Also called: Hereditary breast and ovarian cancer; Breast and ovarian cancer; Hereditary breast and/or ovarian cancer syndrome; Hereditary breast and ovarian cancer syndrome; BRCA1- and BRCA2-Associated Hereditary Breast and Ovarian Cancer; Hereditary breast and ovarian cancer syndrome (HBOC). Identifiers: Orphanet 145, MedGen C0677776, MeSH D061325, MONDO:0003582. Disease mechanism: loss of function.

Submissions (2):

Ambry Genetics
Classification: Pathogenic for Hereditary cancer-predisposing syndrome. Last evaluated: 2024-09-18. Review status: criteria provided, single submitter. Criteria: Ambry Variant Classification Scheme 2023. Collection method: clinical testing. Allele origin: germline.
Comment: The c.2943delA pathogenic mutation, located in coding exon 9 of the BRCA1 gene, results from a deletion of one nucleotide at nucleotide position 2943, causing a translational frameshift with a predicted alternate stop codon (p.P982Hfs*18). This variant is considered to be rare based on population cohorts in the Genome Aggregation Database (gnomAD). This alteration is expected to result in loss of function by premature protein truncation or nonsense-mediated mRNA decay. As such, this alteration is interpreted as a disease-causing mutation.

Labcorp Genetics (formerly Invitae), Labcorp
Classification: Pathogenic for Hereditary breast ovarian cancer syndrome. Last evaluated: 2024-05-16. Review status: criteria provided, single submitter. Criteria: Invitae Variant Classification Sherloc (09022015). Collection method: clinical testing. Allele origin: germline.
Comment: This sequence change creates a premature translational stop signal (p.Pro982Hisfs*18) in the BRCA1 gene. It is expected to result in an absent or disrupted protein product. Loss-of-function variants in BRCA1 are known to be pathogenic (PMID: 20104584). This variant is not present in population databases (gnomAD no frequency). This premature translational stop signal has been observed in individual(s) with breast and/or ovarian cancer (PMID: 31742824, 32029870). For these reasons, this variant has been classified as Pathogenic.

Literature cited by the submitters: PubMed 20104584 (cited by Labcorp Genetics (formerly Invitae), Labcorp); PubMed 31742824 (cited by Labcorp Genetics (formerly Invitae), Labcorp); PubMed 32029870 (cited by Labcorp Genetics (formerly Invitae), Labcorp).